The following is an entry in ClinVar:

ClinVar aggregate classification (germline): Uncertain significance (1 of 4 stars; one submission).

Conditions:
BBS12-related disorder. Also called: BBS12-related condition.

Submission:

PreventionGenetics, part of Exact Sciences
Classification: Uncertain significance for BBS12-related condition. Last evaluated: 2026-03-11. Review status: criteria provided, single submitter. Criteria: ACMG Guidelines, 2015. Collection method: clinical testing. Allele origin: germline.
Comment: The BBS12 c.1450A>T variant is predicted to result in the amino acid substitution p.Arg484Trp. To our knowledge, this variant has not been reported in the literature or in a large population database (gnomAD), indicating this variant is rare. At this time, the clinical significance of this variant is uncertain due to the absence of conclusive functional and genetic evidence.

NM_152618.3(BBS12):c.1450A>T (p.Arg484Trp)

Gene: BBS12 (Bardet-Biedl syndrome 12; plus strand). Cytogenetic location: 4q27.
Variant type: single nucleotide variant.
Coding change: c.1450A>T on transcript NM_152618.3 (MANE Select); coding-DNA position 1450, A replaced by T.
Protein change: p.Arg484Trp; replaces arginine 484 with tryptophan.
Molecular consequence: missense variant.
Genome position (GRCh38, 1-based): chr4:122,743,342, A>T. VCF-style: chr4-122743342-A-T. GRCh37 (hg19) VCF-style: chr4-123664497-A-T.
Other names: c.1450A>T, p.Arg484Trp (NM_001178007.2); short protein forms R484W.
Identifiers: ClinVar variation 4994141 (VCV004994141.1).
Genomic context (GRCh38, chr4:122,743,342, plus strand): 5'-TGTGTGGGCGACGGGGTCTGCGTGACCTTCTGGAGAAGCAGCCCTTTGGATGTTGTAGAT[A>T]GGAACAACAGAATCGCAATCTTATTAAAAACAGAAGGAATTAATTTGGTTACGGCCGTGC-3'
Protein context (NP_689831.2, residues 474-494): WRSSPLDVVD[Arg484Trp]NNRIAILLKT